The following is an entry in ClinVar:

NM_198968.4(DZIP1):c.1396C>T (p.Gln466Ter)

Gene: DZIP1 (DAZ interacting zinc finger protein 1; minus strand). Cytogenetic location: 13q32.1.
Variant type: single nucleotide variant.
Coding change: c.1396C>T on transcript NM_198968.4 (MANE Select); coding-DNA position 1396, C replaced by T.
Protein change: p.Gln466Ter; replaces glutamine 466 with a stop codon.
Molecular consequence: nonsense. On other transcripts: intron variant (1).
Genome position (GRCh38, 1-based): chr13:95,609,481, G>A on the plus strand (C>T on the coding strand, the complement: DZIP1 is on the minus strand). VCF-style: chr13-95609481-G-A. GRCh37 (hg19) VCF-style: chr13-96261735-G-A.
Other names: c.1363+1964C>T (NM_014934.5); short protein forms Q466*.
Identifiers: ClinVar variation 4874496 (VCV004874496.2).

ClinVar aggregate classification (germline): Uncertain significance (1 of 4 stars; one submission).

Submission:

CeGaT Center for Human Genetics Tuebingen
Classification: Uncertain significance. Last evaluated: 2026-04-01. Review status: criteria provided, single submitter. Criteria: CeGaT Center For Human Genetics Tuebingen Variant Classification Criteria Version 2. Collection method: clinical testing. Allele origin: germline. Affected: yes. Observed: 1 variant allele.
Comment: DZIP1: PM2